The following is an entry in ClinVar:

NM_057176.3(BSND):c.821A>C (p.Lys274Thr)

Gene: BSND (barttin CLCNK type accessory subunit beta; plus strand). Cytogenetic location: 1p32.3.
Variant type: single nucleotide variant.
Coding change: c.821A>C on transcript NM_057176.3 (MANE Select); coding-DNA position 821, A replaced by C.
Protein change: p.Lys274Thr; replaces lysine 274 with threonine.
Molecular consequence: missense variant.
Genome position (GRCh38, 1-based): chr1:55,008,486, A>C. VCF-style: chr1-55008486-A-C. GRCh37 (hg19) VCF-style: chr1-55474159-A-C.
Other names: short protein forms K274T.
Identifiers: ClinVar variation 517610 (VCV000517610.4), dbSNP rs547338387, ClinGen allele CA871427.

ClinVar aggregate classification (germline): Uncertain significance (1 of 4 stars; one submission).

Allele frequency attached by ClinVar (database versions not stated): gnomAD exomes below 0.00001; ExAC 0.00001; gnomAD 0.00001; 1000 Genomes Project 0.00020; 1000 Genomes Project 30x 0.00031.
gnomAD v4.1: 1 of 1,614,198 alleles (0.000062%); highest among the groups gnomAD compares: African/African-American, 0.0013%; no homozygotes.

Submission:

Laboratory for Molecular Medicine, Mass General Brigham Personalized Medicine
Classification: Uncertain significance. Last evaluated: 2017-10-24. Review status: criteria provided, single submitter. Criteria: LMM Criteria. Collection method: clinical testing. Allele origin: germline. Observed: 1 variant allele.
Comment: The p.Lys274Thr variant in BSND has not been previously reported in individuals with hearing loss or Bartter syndrome, but has been identified in 1/15294 Africa n chromosomes by the Genome Aggregation Database (gnomAD; dbSNP rs547338387). Although this variant has been seen in the gene ral population, its frequency is not high enough to rule out a pathogenic role. Computational prediction tools and conservation analysis do not provide strong s upport for or against an impact to the protein. In summary, the clinical signifi cance of the p.Lys274Thr variant is uncertain. ACMG/AMP Criteria applied: PM2 (R ichards 2015).